The following is an entry in ClinVar:

NM_006231.4(POLE):c.5072G>A (p.Arg1691His)

Gene: POLE (DNA polymerase epsilon, catalytic subunit; minus strand). Cytogenetic location: 12q24.33.
Variant type: single nucleotide variant.
Coding change: c.5072G>A on transcript NM_006231.4 (MANE Select); coding-DNA position 5072, G replaced by A.
Protein change: p.Arg1691His; replaces arginine 1691 with histidine.
Molecular consequence: missense variant.
Genome position (GRCh38, 1-based): chr12:132,642,278, C>T on the plus strand (G>A on the coding strand, the complement: POLE is on the minus strand). VCF-style: chr12-132642278-C-T. GRCh37 (hg19) VCF-style: chr12-133218864-C-T.
Other names: c.5072G>A (NM_006231.2); short protein forms R1691H.
Identifiers: ClinVar variation 934861 (VCV000934861.8), dbSNP rs1235110857, ClinGen allele CA387377031.

ClinVar aggregate classification (germline): Uncertain significance. Review status: criteria provided, multiple submitters, no conflicts (2 of 4 stars). 2 submissions from 2 submitters: Uncertain significance (2). Last evaluated 2025-09-12.

Conditions:
Hereditary cancer-predisposing syndrome. Also called: Neoplastic Syndromes, Hereditary; Hereditary Cancer Syndrome; Hereditary neoplastic syndrome; Tumor predisposition. Identifiers: Orphanet 140162, MedGen C0027672, MeSH D009386, MONDO:0015356.

Allele frequency attached by ClinVar (database versions not stated): gnomAD exomes below 0.00001; gnomAD 0.00001.

Submissions (2):

Labcorp Genetics (formerly Invitae), Labcorp
Classification: Uncertain significance. Last evaluated: 2025-09-12. Review status: criteria provided, single submitter. Criteria: Invitae Variant Classification Sherloc (09022015). Collection method: clinical testing. Allele origin: germline.
Comment: This sequence change replaces arginine, which is basic and polar, with histidine, which is basic and polar, at codon 1691 of the POLE protein (p.Arg1691His). The frequency data for this variant in the population databases is considered unreliable, as metrics indicate poor data quality at this position in the gnomAD database. This variant has not been reported in the literature in individuals affected with POLE-related conditions. ClinVar contains an entry for this variant (Variation ID: 934861). Invitae Evidence Modeling of protein sequence and biophysical properties (such as structural, functional, and spatial information, amino acid conservation, physicochemical variation, residue mobility, and thermodynamic stability) indicates that this missense variant is not expected to disrupt POLE protein function with a negative predictive value of 80%. In summary, the available evidence is currently insufficient to determine the role of this variant in disease. Therefore, it has been classified as a Variant of Uncertain Significance.

Ambry Genetics
Classification: Uncertain significance for Hereditary cancer-predisposing syndrome. Last evaluated: 2024-12-19. Review status: criteria provided, single submitter. Criteria: Ambry Variant Classification Scheme 2023. Collection method: clinical testing. Allele origin: germline.
Comment: The p.R1691H variant (also known as c.5072G>A), located in coding exon 38 of the POLE gene, results from a G to A substitution at nucleotide position 5072. The arginine at codon 1691 is replaced by histidine, an amino acid with highly similar properties. This amino acid position is highly conserved in available vertebrate species. In addition, the in silico prediction for this alteration is inconclusive. Based on the available evidence, the clinical significance of this variant remains unclear.